The following is an entry in ClinVar:

ClinVar aggregate classification (germline): Pathogenic. Review status: criteria provided, multiple submitters, no conflicts (2 of 4 stars). 9 submissions from 9 submitters: Pathogenic (8). 1 of the submissions does not count toward it. Last evaluated 2026-02-03.

Conditions:
CCDC40-related disorder. Also called: CCDC40-related condition.
Primary ciliary dyskinesia. Also called: Ciliary dyskinesia. Identifiers: Orphanet 244, MedGen C0008780, MONDO:0016575, HP:0012265.
Primary ciliary dyskinesia 15. Also called: CILIARY DYSKINESIA, PRIMARY, 15, WITH OR WITHOUT SITUS INVERSUS. Identifiers: Orphanet 244, MedGen C3151137, MONDO:0013435, OMIM 613808.
Kartagener syndrome (CILD1). Also called: IMMOTILE CILIA SYNDROME; CILIARY DYSKINESIA, PRIMARY, 1; POLYNESIAN BRONCHIECTASIS; SIEWERT SYNDROME; CILIARY DYSKINESIA, PRIMARY, 1, WITH OR WITHOUT SITUS INVERSUS; Dextrocardia bronchiectasis and sinusitis. Identifiers: Orphanet 244, MedGen C4551906, MONDO:0009484, OMIM 244400.

Allele frequency attached by ClinVar (database versions not stated): gnomAD 0.00003 and 0.00004; gnomAD exomes 0.00003 and 0.00004; TOPMed 0.00003; ExAC 0.00004.

Submissions (9):

PreventionGenetics, part of Exact Sciences
Classification: Pathogenic for CCDC40-related condition. Last evaluated: 2026-02-03. Review status: criteria provided, single submitter. Criteria: ACMG Guidelines, 2015. Collection method: clinical testing. Allele origin: germline.
Comment: The CCDC40 c.2824_2825insCTGT variant is predicted to result in a frameshift and premature protein termination (p.Arg942Thrfs*57). This variant has been reported in the compound heterozygous and homozgyous states in multiple individuals with primary ciliary dyskinesia (Pereira et al. 2019. PubMed ID: 31443223; Fassad et al. 2019. PubMed ID: 31879361). Frameshift variants in CCDC40 are expected to be pathogenic. We classify this variant as pathogenic.

Labcorp Genetics (formerly Invitae), Labcorp
Classification: Pathogenic for Primary ciliary dyskinesia. Last evaluated: 2024-11-05. Review status: criteria provided, single submitter. Criteria: Invitae Variant Classification Sherloc (09022015). Collection method: clinical testing. Allele origin: germline.
Comment: This sequence change creates a premature translational stop signal (p.Arg942Thrfs*57) in the CCDC40 gene. It is expected to result in an absent or disrupted protein product. Loss-of-function variants in CCDC40 are known to be pathogenic (PMID: 21131974, 22693285, 23255504). This variant is present in population databases (rs587778819, gnomAD 0.008%). This premature translational stop signal has been observed in individuals with primary ciliary dyskinesia (PMID: 31443223; internal data). ClinVar contains an entry for this variant (Variation ID: 194774). For these reasons, this variant has been classified as Pathogenic.

3billion
Classification: Pathogenic for Primary ciliary dyskinesia 15. Last evaluated: 2023-08-08. Review status: criteria provided, single submitter. Criteria: ACMG Guidelines, 2015. Collection method: clinical testing. Allele origin: germline. Affected: yes.
Comment: The variant is observed at an extremely low frequency in the gnomAD v2.1.1 dataset (total allele frequency: 0.004%). Predicted Consequence/Location: Frameshift: predicted to result in a loss or disruption of normal protein function through nonsense-mediated decay (NMD) or protein truncation. Multiple pathogenic variants are reported downstream of the variant. Regardless of the mechanism, a variant called homozygous is by default in trans. The variant has been reported at least twice as pathogenic with clinical assertions and evidence for the classification (ClinVar ID: VCV000194774 /PMID: 31443223 /3billion dataset). Therefore, this variant is classified as Pathogenic according to the recommendation of ACMG/AMP guideline.

Laboratorio de Genetica e Diagnostico Molecular, Hospital Israelita Albert Einstein
Classification: Pathogenic for Primary ciliary dyskinesia 15. Last evaluated: 2022-03-18. Review status: criteria provided, single submitter. Criteria: ACMG Guidelines, 2015. Collection method: clinical testing. Allele origin: germline. Affected: yes. Observed: 1 variant allele.
Comment: ACMG classification criteria: PVS1 very strong, PS4 supporting, PM2 moderated, PM3 moderated

Fulgent Genetics
Classification: Pathogenic for Primary ciliary dyskinesia 15. Last evaluated: 2021-09-05. Review status: criteria provided, single submitter. Criteria: ACMG Guidelines, 2015. Collection method: clinical testing. Allele origin: unknown.

Ambry Genetics
Classification: Pathogenic for Primary ciliary dyskinesia. Last evaluated: 2021-09-01. Review status: criteria provided, single submitter. Criteria: Ambry Variant Classification Scheme 2023. Collection method: clinical testing. Allele origin: germline.
Comment: The c.2824_2825insCTGT variant, located in coding exon 17 of the CCDC40 gene, results from an insertion of 4 nucleotides at position 2824, causing a translational frameshift with a predicted alternate stop codon (p.R942Tfs*57). This mutation has been identified in multiple homozygous and compound heterozygous individuals with primary ciliary dyskinesia (PCD) (Pereira R et al. Cells, 2019 08;8:; Fassad MR et al. Clin Genet, 2020 03;97:509-515; Blanchon S et al. J Med Genet, 2020 04;57:237-244; Fassad MR et al. J Med Genet, 2020 05;57:322-330). In addition to the clinical data presented in the literature, this alteration is expected to result in loss of function by premature protein truncation or nonsense-mediated mRNA decay. As such, this alteration is interpreted as a disease-causing mutation.

Revvity Omics, Revvity
Classification: Pathogenic for Primary ciliary dyskinesia 15. Last evaluated: 2020-09-29. Review status: criteria provided, single submitter. Criteria: ACMG Guidelines, 2015. Collection method: clinical testing. Allele origin: germline.

Eurofins Ntd Llc (ga)
Classification: Pathogenic. Last evaluated: 2014-06-06. Review status: criteria provided, single submitter. Criteria: EGL Classification Definitions 2015. Collection method: clinical testing. Allele origin: germline. Observed: 2 variant alleles, 2 heterozygotes.

Laboratory of Cell Biology, Institute of Biomedical Sciences Abel Salazar University of Porto
Classification: Pathogenic for Kartagener syndrome. Review status: no assertion criteria provided. Collection method: research. Allele origin: unknown. Inheritance: Autosomal recessive inheritance. Affected: yes. Observed: 1 variant allele, 1 compound heterozygote. Not counted in ClinVar's aggregate classification.
Comment: Bioinformatic tools predict as potentially pathogenic. We found other potential pathogenic variant in same gene, CCDC40: NM_017950.3:c.1989+1G>A

Literature cited by the submitters: PubMed 21131974 (cited by Labcorp Genetics (formerly Invitae), Labcorp); PubMed 22693285 (cited by Labcorp Genetics (formerly Invitae), Labcorp); PubMed 23255504 (cited by Labcorp Genetics (formerly Invitae), Labcorp); PubMed 31443223 (cited by 3 submitters); PubMed 31650533 (cited by Ambry Genetics); PubMed 31772028 (cited by Ambry Genetics); PubMed 31879361 (cited by Ambry Genetics).

NM_017950.4(CCDC40):c.2824_2825insCTGT (p.Arg942fs)

Gene: CCDC40 (coiled-coil domain 40 molecular ruler complex subunit; plus strand). Cytogenetic location: 17q25.3.
Variant type: Insertion.
Coding change: c.2824_2825insCTGT on transcript NM_017950.4 (MANE Select); coding-DNA positions 2824 to 2825, CTGT inserted.
Protein change: p.Arg942fs; shifts the reading frame from arginine 942.
Molecular consequence: frameshift variant.
Genome position: GRCh38 VCF-style: chr17-80089876-A-ACTGT. GRCh37 (hg19) VCF-style: chr17-78063675-A-ACTGT.
Other names: c.2824_2825insCTGT, p.Arg942fs (NM_001243342.2); short protein forms R942fs.
Identifiers: ClinVar variation 194774 (VCV000194774.27), dbSNP rs587778819, ClinGen allele CA275047.